The following is an entry in ClinVar:

NM_001042492.3(NF1):c.8160+5G>A

Gene: NF1 (neurofibromin 1; plus strand). Cytogenetic location: 17q11.2.
Variant type: single nucleotide variant.
Coding change: c.8160+5G>A on transcript NM_001042492.3 (MANE Select); 5 bases into the intron after coding-DNA position 8160, G replaced by A.
Molecular consequence: intron variant.
Genome position (GRCh38, 1-based): chr17:31,359,020, G>A. VCF-style: chr17-31359020-G-A. GRCh37 (hg19) VCF-style: chr17-29686038-G-A.
Other names: c.8097+5G>A (NM_000267.4).
Identifiers: ClinVar variation 1761968 (VCV001761968.2), dbSNP rs1406306094, ClinGen allele CA625694239.

ClinVar aggregate classification (germline): Uncertain significance (1 of 4 stars; one submission).

Conditions:
Cardiovascular phenotype. Identifiers: MedGen CN230736.
Hereditary cancer-predisposing syndrome. Also called: Neoplastic Syndromes, Hereditary; Tumor predisposition; Hereditary Cancer Syndrome; Hereditary neoplastic syndrome. Identifiers: Orphanet 140162, MedGen C0027672, MeSH D009386, MONDO:0015356.

Allele frequency attached by ClinVar (database versions not stated): gnomAD exomes below 0.00001.
gnomAD v4.1: 1 of 1,613,184 alleles (0.000062%); highest among the groups gnomAD compares: Non-Finnish European, 0.000085%; no homozygotes.

Submission:

Ambry Genetics
Classification: Uncertain significance for Cardiovascular phenotype; Hereditary cancer-predisposing syndrome. Last evaluated: 2020-10-23. Review status: criteria provided, single submitter. Criteria: Ambry Variant Classification Scheme 2023. Collection method: clinical testing. Allele origin: germline.
Comment: The c.8097+5G>A intronic variant results from a G to A substitution 5 nucleotides after coding exon 55 in the NF1 gene. This nucleotide position is well conserved in available vertebrate species. In silico splice site analysis predicts that this alteration will not have any significant effect on splicing. Since supporting evidence is limited at this time, the clinical significance of this alteration remains unclear.